The following is an entry in ClinVar:

NM_207361.6(FREM2):c.6826G>A (p.Val2276Met)

Gene: FREM2 (FRAS1 related extracellular matrix 2; plus strand). Cytogenetic location: 13q13.3.
Variant type: single nucleotide variant.
Coding change: c.6826G>A on transcript NM_207361.6 (MANE Select); coding-DNA position 6826, G replaced by A.
Protein change: p.Val2276Met; replaces valine 2276 with methionine.
Molecular consequence: missense variant.
Genome position (GRCh38, 1-based): chr13:38,851,769, G>A. VCF-style: chr13-38851769-G-A. GRCh37 (hg19) VCF-style: chr13-39425906-G-A.
Other names: short protein forms V2276M.
Identifiers: ClinVar variation 746883 (VCV000746883.10), dbSNP rs555028352, ClinGen allele CA6955686.

ClinVar aggregate classification (germline): Benign. Review status: criteria provided, multiple submitters, no conflicts (2 of 4 stars). 2 submissions from 2 submitters: Benign (2). Last evaluated 2026-01-28.

Conditions:
Fraser syndrome 2 (FRASRS2). Identifiers: MedGen C4540036, MONDO:0054738, OMIM 617666.

Allele frequency attached by ClinVar (database versions not stated): gnomAD 0.00002 and 0.00046; TOPMed 0.00005; gnomAD exomes 0.00173; 1000 Genomes Project 0.00200; ExAC 0.00200; 1000 Genomes Project 30x 0.00234.
gnomAD v4.1: 1,261 of 1,613,850 alleles (0.078%); highest among the groups gnomAD compares: South Asian, 1.3%; 20 homozygotes.

Submissions (2):

Labcorp Genetics (formerly Invitae), Labcorp
Classification: Benign. Last evaluated: 2026-01-28. Review status: criteria provided, single submitter. Criteria: Invitae Variant Classification Sherloc (09022015). Collection method: clinical testing. Allele origin: germline.

Illumina Laboratory Services, Illumina
Classification: Benign for Fraser syndrome 2. Last evaluated: 2018-01-12. Review status: criteria provided, single submitter. Criteria: ICSL Variant Classification Criteria 13 December 2019. Collection method: clinical testing. Allele origin: germline.
Comment: This variant was observed in the ICSL laboratory as part of a predisposition screen in an ostensibly healthy population. It had not been previously curated by ICSL or reported in the Human Gene Mutation Database (HGMD: prior to June 1st, 2018), and was therefore a candidate for classification through an automated scoring system. Utilizing variant allele frequency, disease prevalence and penetrance estimates, and inheritance mode, an automated score was calculated to assess if this variant is too frequent to cause the disease. Based on the score and internal cut-off values, a variant classified as benign is not then subjected to further curation. The score for this variant resulted in a classification of benign for this disease.